The following is an entry in ClinVar:

ClinVar aggregate classification (germline): Likely pathogenic (1 of 4 stars; one submission).

Submission:

CeGaT Center for Human Genetics Tuebingen
Classification: Likely pathogenic. Last evaluated: 2026-08-01. Review status: criteria provided, single submitter. Criteria: CeGaT Center For Human Genetics Tuebingen Variant Classification Criteria Version 2. Collection method: clinical testing. Allele origin: germline. Affected: yes. Observed: 1 variant allele.
Comment: APC: PVS1:Strong, PM2, PP4, PS2:Supporting

NM_000038.6(APC):c.4732del (p.Cys1578fs)

Gene: APC (APC regulator of Wnt signaling pathway; plus strand). Cytogenetic location: 5q22.2.
Variant type: Deletion.
Coding change: c.4732del on transcript NM_000038.6 (MANE Select); coding-DNA position 4732, one base deleted (T; older notation c.4732delT).
Protein change: p.Cys1578fs; shifts the reading frame from cysteine 1578.
Molecular consequence: frameshift variant. On other transcripts: non-coding transcript variant (2).
Genome position (GRCh38, 1-based): chr5:112,840,326, T deleted. VCF-style (leftmost placement, unchanged base first): chr5-112840325-AT-A. GRCh37 (hg19) VCF-style: chr5-112176022-AT-A.
Other names: c.4732del, p.Cys1578fs (NM_001127510.3, NM_001354895.2, NM_001407450.1); c.4678del, p.Cys1560fs (NM_001127511.3); c.4786del, p.Cys1596fs (NM_001354896.2, NM_001407447.1, NM_001407448.1 and 1 more transcripts); c.4762del, p.Cys1588fs (NM_001354897.2); c.4657del, p.Cys1553fs (NM_001354898.2); c.4648del, p.Cys1550fs (NM_001354899.2); c.4609del, p.Cys1537fs (NM_001354900.2); c.4555del, p.Cys1519fs (NM_001354901.2, NM_001407453.1); and 11 more; short protein forms C1194fs, C1295fs, C1418fs, C1449fs, C1452fs, C1477fs, C1487fs, C1495fs.
Identifiers: ClinVar variation 5040725 (VCV005040725.1).